The following is an entry in ClinVar:

ClinVar aggregate classification (germline): Uncertain significance (1 of 4 stars; one submission).

Conditions:
3-Methylglutaconic aciduria type 2 (BTHS). Also called: Barth syndrome; CARDIOSKELETAL MYOPATHY WITH NEUTROPENIA AND ABNORMAL MITOCHONDRIA. Identifiers: Orphanet 111, MedGen C0574083, MONDO:0010543, OMIM 302060.

Submission:

Labcorp Genetics (formerly Invitae), Labcorp
Classification: Uncertain significance for 3-Methylglutaconic aciduria type 2. Last evaluated: 2022-05-01. Review status: criteria provided, single submitter. Criteria: Invitae Variant Classification Sherloc (09022015). Collection method: clinical testing. Allele origin: germline.
Comment: In summary, the available evidence is currently insufficient to determine the role of this variant in disease. Therefore, it has been classified as a Variant of Uncertain Significance. Variants that disrupt the consensus splice site are a relatively common cause of aberrant splicing (PMID: 17576681, 9536098). Algorithms developed to predict the effect of sequence changes on RNA splicing suggest that this variant may disrupt the consensus splice site. This variant has not been reported in the literature in individuals affected with TAZ-related conditions. This variant is not present in population databases (gnomAD no frequency). This sequence change falls in intron 5 of the TAZ gene. It does not directly change the encoded amino acid sequence of the TAZ protein. It affects a nucleotide within the consensus splice site.

Literature cited by the submitters: PubMed 17576681; PubMed 9536098.

NM_000116.5(TAFAZZIN):c.461-3C>A

Gene: TAFAZZIN (tafazzin, phospholipid-lysophospholipid transacylase; plus strand). Cytogenetic location: Xq28.
Variant type: single nucleotide variant.
Coding change: c.461-3C>A on transcript NM_000116.5 (MANE Select); 3 bases into the intron before coding-DNA position 461, C replaced by A.
Molecular consequence: intron variant.
Genome position (GRCh38, 1-based): chrX:154,419,540, C>A. VCF-style: chrX-154419540-C-A. GRCh37 (hg19) VCF-style: chrX-153647879-C-A.
Other names: c.515-3C>A (NM_001303465.2); c.461-3C>A (NM_181312.4); c.371-3C>A (NM_181311.4, NM_181313.4).
Identifiers: ClinVar variation 2130317 (VCV002130317.4), dbSNP rs2522984485, ClinGen allele CA2579738902.
Genomic context (GRCh38, chrX:154,419,540, plus strand): 5'-GCTAACCTGTCACCCCACGCCCCCGAGAATGGTTACTGATAGGGAGAGGCCTTTTCCTTG[C>A]AGGAGATGGCGTCTACCAGAAGGGGATGGACTTCATTTTGGAGAAGCTCAACCATGGGGA-3'